The following is an entry in ClinVar:

ClinVar aggregate classification (germline): Conflicting classifications of pathogenicity. Review status: criteria provided, conflicting classifications (1 of 4 stars). 3 submissions from 3 submitters: Uncertain significance (2); Likely benign (1). Last evaluated 2025-10-07.

Conditions:
Hereditary cancer-predisposing syndrome. Also called: Hereditary neoplastic syndrome; Neoplastic Syndromes, Hereditary; Hereditary Cancer Syndrome; Tumor predisposition. Identifiers: Orphanet 140162, MedGen C0027672, MeSH D009386, MONDO:0015356.
Familial cancer of breast. Also called: BREAST CANCER, FAMILIAL; Hereditary breast cancer; hereditary breast carcinoma. Identifiers: Orphanet 227535, MedGen C0346153, MONDO:0016419, OMIM 114480. Disease mechanism: loss of function.

Allele frequency attached by ClinVar (database versions not stated): gnomAD exomes below 0.00001; TOPMed below 0.00001.
gnomAD v4.1: 1 of 1,614,224 alleles (0.000062%); highest among the groups gnomAD compares: African/African-American, 0.0013%; no homozygotes.

Submissions (3):

Labcorp Genetics (formerly Invitae), Labcorp
Classification: Uncertain significance for Familial cancer of breast. Last evaluated: 2025-10-07. Review status: criteria provided, single submitter. Criteria: Invitae Variant Classification Sherloc (09022015). Collection method: clinical testing. Allele origin: germline.
Comment: This sequence change replaces leucine, which is neutral and non-polar, with proline, which is neutral and non-polar, at codon 536 of the PALB2 protein (p.Leu536Pro). This variant is not present in population databases (gnomAD no frequency). This variant has not been reported in the literature in individuals affected with PALB2-related conditions. ClinVar contains an entry for this variant (Variation ID: 530144). Invitae Evidence Modeling of protein sequence and biophysical properties (such as structural, functional, and spatial information, amino acid conservation, physicochemical variation, residue mobility, and thermodynamic stability) indicates that this missense variant is not expected to disrupt PALB2 protein function with a negative predictive value of 80%. In summary, the available evidence is currently insufficient to determine the role of this variant in disease. Therefore, it has been classified as a Variant of Uncertain Significance.

Ambry Genetics
Classification: Likely benign for Hereditary cancer-predisposing syndrome. Last evaluated: 2024-05-10. Review status: criteria provided, single submitter. Criteria: Ambry Variant Classification Scheme 2023. Collection method: clinical testing. Allele origin: germline.

GeneDx
Classification: Uncertain significance. Last evaluated: 2022-12-07. Review status: criteria provided, single submitter. Criteria: GeneDx Variant Classification Process June 2021. Collection method: clinical testing. Allele origin: germline. Affected: yes.
Comment: Not observed at significant frequency in large population cohorts (gnomAD); In silico analysis supports that this missense variant does not alter protein structure/function; Has not been previously published as pathogenic or benign to our knowledge

NM_024675.4(PALB2):c.1607T>C (p.Leu536Pro)

Gene: PALB2 (partner and localizer of BRCA2; minus strand). Cytogenetic location: 16p12.2.
Variant type: single nucleotide variant.
Coding change: c.1607T>C on transcript NM_024675.4 (MANE Select); coding-DNA position 1607, T replaced by C.
Protein change: p.Leu536Pro; replaces leucine 536 with proline.
Molecular consequence: missense variant.
Genome position (GRCh38, 1-based): chr16:23,634,939, A>G on the plus strand (T>C on the coding strand, the complement: PALB2 is on the minus strand). VCF-style: chr16-23634939-A-G. GRCh37 (hg19) VCF-style: chr16-23646260-A-G.
Other names: short protein forms L536P.
Identifiers: ClinVar variation 530144 (VCV000530144.10), dbSNP rs1555461198, ClinGen allele CA395130490.